The following is an entry in ClinVar:

ClinVar aggregate classification (germline): Likely benign. Review status: criteria provided, multiple submitters, no conflicts (2 of 4 stars). 2 submissions from 2 submitters: Likely benign (2). Last evaluated 2025-11-06.

Conditions:
SLC10A2-related disorder. Also called: SLC10A2-related condition.

Allele frequency attached by ClinVar (database versions not stated): TOPMed 0.00001; gnomAD 0.00014; ExAC 0.00046; 1000 Genomes Project 30x 0.00047; 1000 Genomes Project 0.00060.
gnomAD v4.1: 342 of 1,611,828 alleles (0.021%); highest among the groups gnomAD compares: South Asian, 0.35%; 4 homozygotes.

Submissions (2):

Labcorp Genetics (formerly Invitae), Labcorp
Classification: Likely benign. Last evaluated: 2025-11-06. Review status: criteria provided, single submitter. Criteria: Invitae Variant Classification Sherloc (09022015). Collection method: clinical testing. Allele origin: germline.

PreventionGenetics, part of Exact Sciences
Classification: Likely benign for SLC10A2-related condition. Last evaluated: 2024-11-23. Review status: criteria provided, single submitter. Criteria: ACMG Guidelines, 2015. Collection method: clinical testing. Allele origin: germline.
Comment: This variant is classified as likely benign based on ACMG/AMP sequence variant interpretation guidelines (Richards et al. 2015 PMID: 25741868, with internal and published modifications).

NM_000452.3(SLC10A2):c.462C>A (p.Asp154Glu)

Gene: SLC10A2 (solute carrier family 10 member 2; minus strand). Cytogenetic location: 13q33.1.
Variant type: single nucleotide variant.
Coding change: c.462C>A on transcript NM_000452.3 (MANE Select); coding-DNA position 462, C replaced by A.
Protein change: p.Asp154Glu; replaces aspartic acid 154 with glutamic acid.
Molecular consequence: missense variant.
Genome position (GRCh38, 1-based): chr13:103,058,298, G>T on the plus strand (C>A on the coding strand, the complement: SLC10A2 is on the minus strand). VCF-style: chr13-103058298-G-T. GRCh37 (hg19) VCF-style: chr13-103710648-G-T.
Other names: c.462C>A (NM_000452.2); short protein forms D154E.
Identifiers: ClinVar variation 2419801 (VCV002419801.7), dbSNP rs199645187, ClinGen allele CA7042213.
Genomic context (GRCh38, chr13:103,058,298, plus strand): 5'-AACAGTCTTACAGATGGATGACTTACCTATGTTATCATAGGGAATTACGATGCTCCCAGA[G>T]TCGACCCACATTTTGGTATAGATAAGGAGGCACAGCGGCATCATTCCGAGGGCAAGCAGT-3'
Protein context (NP_000443.2, residues 144-164): CLLIYTKMWV[Asp154Glu]SGSIVIPYDN